The following is an entry in ClinVar:

ClinVar aggregate classification (germline): Uncertain significance. Review status: criteria provided, multiple submitters, no conflicts (2 of 4 stars). 2 submissions from 2 submitters: Uncertain significance (2). Last evaluated 2024-11-26.

Conditions:
Epilepsy, progressive myoclonic, 1B. Also called: PME. Identifiers: Orphanet 308, MedGen C2676254, MONDO:0012904, OMIM 612437.

Allele frequency attached by ClinVar (database versions not stated): gnomAD exomes below 0.00001 and 0.00001; gnomAD 0.00001.
gnomAD v4.1: 7 of 1,613,980 alleles (0.00043%); highest among the groups gnomAD compares: South Asian, 0.0033%; no homozygotes.

Submissions (2):

Ambry Genetics
Classification: Uncertain significance. Last evaluated: 2024-11-26. Review status: criteria provided, single submitter. Criteria: Ambry Variant Classification Scheme 2023. Collection method: clinical testing. Allele origin: germline.

Labcorp Genetics (formerly Invitae), Labcorp
Classification: Uncertain significance for Epilepsy, progressive myoclonic, 1B. Last evaluated: 2022-08-16. Review status: criteria provided, single submitter. Criteria: Invitae Variant Classification Sherloc (09022015). Collection method: clinical testing. Allele origin: germline.
Comment: This sequence change replaces alanine, which is neutral and non-polar, with threonine, which is neutral and polar, at codon 142 of the PRICKLE1 protein (p.Ala142Thr). This variant is present in population databases (no rsID available, gnomAD 0.006%). This variant has not been reported in the literature in individuals affected with PRICKLE1-related conditions. ClinVar contains an entry for this variant (Variation ID: 410634). Algorithms developed to predict the effect of missense changes on protein structure and function are either unavailable or do not agree on the potential impact of this missense change (SIFT: "Deleterious"; PolyPhen-2: "Probably Damaging"; Align-GVGD: "Class C0"). In summary, the available evidence is currently insufficient to determine the role of this variant in disease. Therefore, it has been classified as a Variant of Uncertain Significance.

NM_153026.3(PRICKLE1):c.424G>A (p.Ala142Thr)

Gene: PRICKLE1 (prickle planar cell polarity protein 1; minus strand). Cytogenetic location: 12q12.
Variant type: single nucleotide variant.
Coding change: c.424G>A on transcript NM_153026.3 (MANE Select); coding-DNA position 424, G replaced by A.
Protein change: p.Ala142Thr; replaces alanine 142 with threonine.
Molecular consequence: missense variant.
Genome position (GRCh38, 1-based): chr12:42,468,790, C>T on the plus strand (G>A on the coding strand, the complement: PRICKLE1 is on the minus strand). VCF-style: chr12-42468790-C-T. GRCh37 (hg19) VCF-style: chr12-42862592-C-T.
Other names: c.424G>A, p.Ala142Thr (NM_001144881.2, NM_001144882.2, NM_001144883.2); short protein forms A142T.
Identifiers: ClinVar variation 410634 (VCV000410634.9), dbSNP rs1060502984, ClinGen allele CA16613808.
Genomic context (GRCh38, chr12:42,468,790, plus strand): 5'-TACACGTGAAACAGACAAAACAGGATGGGTGCCAGCACACACCAGGGCCCGCACGGGAGG[C>T]GAACACTGCAACTTCACCTCCATTTATCTTCAAACCACACTACAAACAAATGGGTTTGAA-3'
Protein context (NP_694571.2, residues 132-152): KINGGEVAVF[Ala142Thr]SRAGPGVCWH